The following is an entry in ClinVar:

ClinVar aggregate classification (germline): Benign (1 of 4 stars; one submission).

gnomAD v4.1: 58,346 of 1,611,758 alleles (3.6%); highest among the groups gnomAD compares: Middle Eastern, 6.1%; 1,247 homozygotes.

Submission:

Mayo Clinic Laboratories, Mayo Clinic
Classification: Benign. Last evaluated: 2023-11-16. Review status: criteria provided, single submitter. Criteria: ACMG Guidelines, 2015. Collection method: clinical testing. Allele origin: germline. Observed: 5 variant alleles.
Comment: BS1, BS2, BP4, BP7

NM_006074.5(TRIM22):c.913C>T (p.Leu305=)

Gene: TRIM22 (tripartite motif containing 22; plus strand). Cytogenetic location: 11p15.4.
Variant type: single nucleotide variant.
Coding change: c.913C>T on transcript NM_006074.5 (MANE Select); coding-DNA position 913, C replaced by T.
Protein change: p.Leu305=; no amino-acid change (leucine 305 retained).
Molecular consequence: synonymous variant.
Genome position (GRCh38, 1-based): chr11:5,709,064, C>T. VCF-style: chr11-5709064-C-T. GRCh37 (hg19) VCF-style: chr11-5730294-C-T.
Other names: p.Leu305=; c.901C>T, p.Leu301= (NM_001199573.2).
Identifiers: ClinVar variation 4683582 (VCV004683582.1).